The following is an entry in ClinVar:

ClinVar aggregate classification (germline): Uncertain significance (1 of 4 stars; one submission).

Conditions:
Alazami-Yuan syndrome (ALYUS). Identifiers: Orphanet 694946, MedGen C4310702, MONDO:0014931, OMIM 617126.

Allele frequency attached by ClinVar (database versions not stated): gnomAD 0.00001; TOPMed 0.00001; gnomAD exomes 0.00002 and 0.00003.
gnomAD v4.1: 12 of 1,567,352 alleles (0.00077%); highest among the groups gnomAD compares: Admixed American, 0.015%; no homozygotes.

Submission:

Baylor Genetics
Classification: Uncertain significance for Alazami-Yuan syndrome. Last evaluated: 2018-02-13. Review status: criteria provided, single submitter. Criteria: ACMG Guidelines, 2015. Collection method: clinical testing. Allele origin: maternal. Affected: yes.
Comment: This variant was determined to be of uncertain significance according to ACMG Guidelines, 2015 [PMID:25741868].

NM_139315.3(TAF6):c.1921A>G (p.Ser641Gly)

Genes: AP4M1 (adaptor related protein complex 4 subunit mu 1; plus strand), TAF6 (TATA-box binding protein associated factor 6; minus strand). Cytogenetic location: 7q22.1.
Variant type: single nucleotide variant.
Coding change: c.1921A>G on transcript NM_139315.3 (MANE Select); coding-DNA position 1921, A replaced by G.
Protein change: p.Ser641Gly; replaces serine 641 with glycine.
Molecular consequence: missense variant. On other transcripts: non-coding transcript variant (1), 3 prime UTR variant (2).
Genome position (GRCh38, 1-based): chr7:100,107,359, T>C on the plus strand (A>G on the coding strand, the complement: TAF6 is on the minus strand). VCF-style: chr7-100107359-T-C. GRCh37 (hg19) VCF-style: chr7-99704982-T-C.
Other names: c.2032A>G, p.Ser678Gly (NM_001190415.2); c.1921A>G, p.Ser641Gly (NM_001364998.1, NM_001364999.1, NM_005641.4); c.1891A>G, p.Ser631Gly (NM_001365000.1, NM_001365001.1, NM_001365002.1 and 1 more transcripts); c.2059A>G, p.Ser687Gly (NM_001365004.1); c.*477T>C (NM_001363671.2, NM_004722.4); short protein forms S631G, S641G, S678G, S687G.
Identifiers: ClinVar variation 1034200 (VCV001034200.1), dbSNP rs1230699758, ClinGen allele CA368479021.
Genomic context (GRCh38, chr7:100,107,359, plus strand): 5'-GAGTCCCTGGAGCTGGAGGGGGACTGTCCCCAGCCTCCTGCTTCCCCCCACAAAGGGCAC[T>C]GCCGCTGAGTGGGGACGGGGACGATGCCGGGGGAGGAACTGGAGAAGGATGGGAGGTGGG-3'
Protein context (NP_647476.1, residues 631-651): PASSPSPLSG[Ser641Gly]ALCGGKQEAG